The following is an entry in ClinVar:

NM_001868.4(CPA1):c.406G>A (p.Val136Met)

Gene: CPA1 (carboxypeptidase A1; plus strand). Cytogenetic location: 7q32.2.
Variant type: single nucleotide variant.
Coding change: c.406G>A on transcript NM_001868.4 (MANE Select); coding-DNA position 406, G replaced by A.
Protein change: p.Val136Met; replaces valine 136 with methionine.
Molecular consequence: missense variant.
Genome position (GRCh38, 1-based): chr7:130,382,132, G>A. VCF-style: chr7-130382132-G-A. GRCh37 (hg19) VCF-style: chr7-130021973-G-A.
Other names: short protein forms V136M.
Identifiers: ClinVar variation 2622173 (VCV002622173.2), dbSNP rs2536006260, ClinGen allele CA369280838.

ClinVar aggregate classification (germline): Uncertain significance (1 of 4 stars; one submission).

Conditions:
Hereditary pancreatitis (PCTT). Also called: PRSS1-Related Hereditary Pancreatitis; Hereditary chronic pancreatitis. Identifiers: Orphanet 676, MedGen C0238339, MONDO:0008185, OMIM 167800.

Allele frequency attached by ClinVar (database versions not stated): gnomAD exomes below 0.00001.
gnomAD v4.1: 1 of 1,614,200 alleles (0.000062%); highest among the groups gnomAD compares: Non-Finnish European, 0.000085%; no homozygotes.

Submission:

Ambry Genetics
Classification: Uncertain significance for Hereditary pancreatitis. Last evaluated: 2023-08-28. Review status: criteria provided, single submitter. Criteria: Ambry Variant Classification Scheme 2023. Collection method: clinical testing. Allele origin: germline.
Comment: The p.V136M variant (also known as c.406G>A), located in coding exon 4 of the CPA1 gene, results from a G to A substitution at nucleotide position 406. The valine at codon 136 is replaced by methionine, an amino acid with highly similar properties. This amino acid position is conserved. In addition, this alteration is predicted to be tolerated by in silico analysis. Since supporting evidence is limited at this time, the clinical significance of this alteration remains unclear.